The following is an entry in ClinVar:

ClinVar aggregate classification (germline): Uncertain significance (1 of 4 stars; one submission).

Allele frequency attached by ClinVar (database versions not stated): ExAC 0.00001; gnomAD 0.00001; gnomAD exomes 0.00001; TOPMed 0.00002.
gnomAD v4.1: 17 of 1,614,060 alleles (0.0011%); highest among the groups gnomAD compares: African/African-American, 0.0053%; no homozygotes.

Submission:

Labcorp Genetics (formerly Invitae), Labcorp
Classification: Uncertain significance. Last evaluated: 2023-12-06. Review status: criteria provided, single submitter. Criteria: Invitae Variant Classification Sherloc (09022015). Collection method: clinical testing. Allele origin: germline.
Comment: This sequence change replaces alanine, which is neutral and non-polar, with valine, which is neutral and non-polar, at codon 1421 of the RUSC2 protein (p.Ala1421Val). This variant is present in population databases (rs762044782, gnomAD 0.006%). This variant has not been reported in the literature in individuals affected with RUSC2-related conditions. ClinVar contains an entry for this variant (Variation ID: 1515536). Algorithms developed to predict the effect of missense changes on protein structure and function output the following: SIFT: "Not Available"; PolyPhen-2: "Benign"; Align-GVGD: "Not Available". The valine amino acid residue is found in multiple mammalian species, which suggests that this missense change does not adversely affect protein function. In summary, the available evidence is currently insufficient to determine the role of this variant in disease. Therefore, it has been classified as a Variant of Uncertain Significance.

NM_014806.5(RUSC2):c.4262C>T (p.Ala1421Val)

Gene: RUSC2 (RUN and SH3 domain containing 2; plus strand). Cytogenetic location: 9p13.3.
Variant type: single nucleotide variant.
Coding change: c.4262C>T on transcript NM_014806.5 (MANE Select); coding-DNA position 4262, C replaced by T.
Protein change: p.Ala1421Val; replaces alanine 1421 with valine.
Molecular consequence: missense variant. On other transcripts: non-coding transcript variant (1).
Genome position (GRCh38, 1-based): chr9:35,561,010, C>T. VCF-style: chr9-35561010-C-T. GRCh37 (hg19) VCF-style: chr9-35561007-C-T.
Other names: c.4262C>T, p.Ala1421Val (NM_001135999.2); c.1628C>T, p.Ala543Val (NM_001330740.2); short protein forms A1421V, A543V.
Identifiers: ClinVar variation 1515536 (VCV001515536.5), dbSNP rs762044782, ClinGen allele CA5044337.
Genomic context (GRCh38, chr9:35,561,010, plus strand): 5'-CTGTCCCTAGGCTCCCCTCGGACTGGCTGAGCCTGGACAAGTCCATGTTCCAACTAGTGG[C>T]GCAGACAGTGGGTTCCCGCCGGGAGCCAGAGCCCAAGGAGAGCCTGCAGGAGCCACACTC-3'
Protein context (NP_055621.2, residues 1411-1431): SLDKSMFQLV[Ala1421Val]QTVGSRREPE